The following is an entry in ClinVar:

NM_014159.7(SETD2):c.5567A>G (p.Asn1856Ser)

Gene: SETD2 (SET domain containing 2, histone lysine methyltransferase; minus strand). Cytogenetic location: 3p21.31.
Variant type: single nucleotide variant.
Coding change: c.5567A>G on transcript NM_014159.7 (MANE Select); coding-DNA position 5567, A replaced by G.
Protein change: p.Asn1856Ser; replaces asparagine 1856 with serine.
Molecular consequence: missense variant. On other transcripts: non-coding transcript variant (1).
Genome position (GRCh38, 1-based): chr3:47,084,213, T>C on the plus strand (A>G on the coding strand, the complement: SETD2 is on the minus strand). VCF-style: chr3-47084213-T-C. GRCh37 (hg19) VCF-style: chr3-47125703-T-C.
Other names: c.5435A>G, p.Asn1812Ser (NM_001349370.3); short protein forms N1856S, N1812S.
Identifiers: ClinVar variation 933390 (VCV000933390.6), dbSNP rs758229404, ClinGen allele CA2362880.

ClinVar aggregate classification (germline): Uncertain significance (1 of 4 stars; one submission).

Conditions:
Luscan-Lumish syndrome. Identifiers: Orphanet 597738, MedGen C4085873, MONDO:0014791, OMIM 616831.

Allele frequency attached by ClinVar (database versions not stated): TOPMed below 0.00001; gnomAD exomes 0.00001; ExAC 0.00002.
gnomAD v4.1: 3 of 1,614,108 alleles (0.00019%); highest among the groups gnomAD compares: Admixed American, 0.0017%; no homozygotes.

Submission:

Labcorp Genetics (formerly Invitae), Labcorp
Classification: Uncertain significance for Luscan-Lumish syndrome. Last evaluated: 2025-04-30. Review status: criteria provided, single submitter. Criteria: Invitae Variant Classification Sherloc (09022015). Collection method: clinical testing. Allele origin: germline.
Comment: This sequence change replaces asparagine, which is neutral and polar, with serine, which is neutral and polar, at codon 1856 of the SETD2 protein (p.Asn1856Ser). This variant is present in population databases (rs758229404, gnomAD 0.006%). This variant has not been reported in the literature in individuals affected with SETD2-related conditions. ClinVar contains an entry for this variant (Variation ID: 933390). Invitae Evidence Modeling of protein sequence and biophysical properties (such as structural, functional, and spatial information, amino acid conservation, physicochemical variation, residue mobility, and thermodynamic stability) indicates that this missense variant is expected to disrupt SETD2 protein function with a positive predictive value of 80%. In summary, the available evidence is currently insufficient to determine the role of this variant in disease. Therefore, it has been classified as a Variant of Uncertain Significance.